The following is an entry in ClinVar:

ClinVar aggregate classification (germline): Uncertain significance (1 of 4 stars; one submission).

gnomAD v4.1: 3 of 1,614,072 alleles (0.00019%); highest among the groups gnomAD compares: Non-Finnish European, 0.00025%; no homozygotes.

Submission:

Women's Health and Genetics/Laboratory Corporation of America, LabCorp
Classification: Uncertain significance. Last evaluated: 2025-06-27. Review status: criteria provided, single submitter. Criteria: LabCorp Variant Classification Summary - May 2015. Collection method: clinical testing. Allele origin: germline.
Comment: Variant summary: NAGLU c.935A>G (p.Asp312Gly) results in a non-conservative amino acid change located in the Alpha-N-acetylglucosaminidase, TIM barrel domain (IPR024733) of the encoded protein sequence. Algorithms developed to predict the effect of missense changes on protein structure and function all suggest that this variant is likely to be disruptive. The variant was absent in 251420 control chromosomes (gnomAD). The available data on variant occurrences in the general population are insufficient to allow any conclusion about variant significance. To our knowledge, no occurrence of c.935A>G in individuals affected with Mucopolysaccharidosis Type IIIB (Sanfilippo Syndrome B) and no experimental evidence demonstrating its impact on protein function have been reported. A different variant affecting the same codon has been classified as likely pathogenic/pathogenic by our lab (c.934G>A, p.Asp312Asn), supporting the critical relevance of codon 312 to NAGLU protein function. No submitters have cited clinical-significance assessments for this variant to ClinVar. Based on the evidence outlined above, the variant was classified as uncertain significance.

NM_000263.4(NAGLU):c.935A>G (p.Asp312Gly)

Gene: NAGLU (N-acetyl-alpha-glucosaminidase; plus strand). Cytogenetic location: 17q21.2.
Variant type: single nucleotide variant.
Coding change: c.935A>G on transcript NM_000263.4 (MANE Select); coding-DNA position 935, A replaced by G.
Protein change: p.Asp312Gly; replaces aspartic acid 312 with glycine.
Molecular consequence: missense variant.
Genome position (GRCh38, 1-based): chr17:42,541,120, A>G. VCF-style: chr17-42541120-A-G. GRCh37 (hg19) VCF-style: chr17-40693138-A-G.
Other names: short protein forms D312G.
Identifiers: ClinVar variation 3907121 (VCV003907121.1).